The following is an entry in ClinVar:

NM_003640.5(ELP1):c.2204+3_2204+4delinsGC

Gene: ELP1 (elongator acetyltransferase complex subunit 1; minus strand). Cytogenetic location: 9q31.3.
Variant type: Indel.
Coding change: c.2204+3_2204+4delinsGC on transcript NM_003640.5 (MANE Select); bases 3 to 4 of the intron after coding-DNA position 2204, AA replaced by GC.
Molecular consequence: intron variant.
Genome position (GRCh38, 1-based): chr9:108,899,818-108,899,819, TT replaced by GC on the plus strand (AA replaced by GC on the coding strand, the reverse complement: ELP1 is on the minus strand). VCF-style: chr9-108899818-TT-GC. GRCh37 (hg19) VCF-style: chr9-111662098-TT-GC.
Other names: c.1862+3_1862+4delinsGC (NM_001318360.2); c.1157+3_1157+4delinsGC (NM_001330749.2).
Identifiers: ClinVar variation 4715974 (VCV004715974.1).
Genomic context (GRCh38, chr9:108,899,818, plus strand): 5'-ATACTTATTGTCTTCACACATAAATCACAAGCTAACTAGTCGCAAACAGTACAATGGCAC[TT>GC]ACTTGTCCAACCACTTCCGAATCTGAGCTAAAACCAGGGCTCGATGATGAACAACTTCTA-3'

ClinVar aggregate classification (germline): Uncertain significance (1 of 4 stars; one submission).

Submission:

Labcorp Genetics (formerly Invitae), Labcorp
Classification: Uncertain significance. Last evaluated: 2025-03-26. Review status: criteria provided, single submitter. Criteria: Invitae Variant Classification Sherloc (09022015). Collection method: clinical testing. Allele origin: germline.
Comment: This sequence change falls in intron 20 of the ELP1 gene. It does not directly change the encoded amino acid sequence of the ELP1 protein. It affects a nucleotide within the consensus splice site. Information on the frequency of this variant in the gnomAD database is not available, as this variant may be reported differently in the database. This variant has not been reported in the literature in individuals affected with ELP1-related conditions. Variants that disrupt the consensus splice site are a relatively common cause of aberrant splicing (PMID: 17576681, 9536098). In summary, the available evidence is currently insufficient to determine the role of this variant in disease. Therefore, it has been classified as a Variant of Uncertain Significance.

Literature cited by the submitters: PubMed 17576681; PubMed 9536098.